The following is an entry in ClinVar:

ClinVar aggregate classification (germline): Uncertain significance (1 of 4 stars; one submission).

Conditions:
Hereditary cancer-predisposing syndrome. Also called: Neoplastic Syndromes, Hereditary; Tumor predisposition; Hereditary Cancer Syndrome; Hereditary neoplastic syndrome. Identifiers: Orphanet 140162, MedGen C0027672, MeSH D009386, MONDO:0015356.

Submission:

Ambry Genetics
Classification: Uncertain significance for Hereditary cancer-predisposing syndrome. Last evaluated: 2022-06-04. Review status: criteria provided, single submitter. Criteria: Ambry Variant Classification Scheme 2023. Collection method: clinical testing. Allele origin: germline.
Comment: The p.F134L variant (also known as c.402T>G), located in coding exon 2 of the MSH6 gene, results from a T to G substitution at nucleotide position 402. The phenylalanine at codon 134 is replaced by leucine, an amino acid with highly similar properties. This amino acid position is conserved. In addition, the in silico prediction for this alteration is inconclusive. Since supporting evidence is limited at this time, the clinical significance of this alteration remains unclear.

NM_000179.3(MSH6):c.402T>G (p.Phe134Leu)

Gene: MSH6 (mutS homolog 6; plus strand). Cytogenetic location: 2p16.3.
Variant type: single nucleotide variant.
Coding change: c.402T>G on transcript NM_000179.3 (MANE Select); coding-DNA position 402, T replaced by G.
Protein change: p.Phe134Leu; replaces phenylalanine 134 with leucine.
Molecular consequence: missense variant. On other transcripts: 5 prime UTR variant (2), intron variant (1).
Genome position (GRCh38, 1-based): chr2:47,791,068, T>G. VCF-style: chr2-47791068-T-G. GRCh37 (hg19) VCF-style: chr2-48018207-T-G.
Other names: c.-335T>G (NM_001281493.2, NM_001406811.1, NM_001406823.1 and 1 more transcripts); c.-501T>G (NM_001281494.2); c.498T>G, p.Phe166Leu (NM_001406795.1, NM_001406802.1); c.402T>G, p.Phe134Leu (NM_001406796.1, NM_001406798.1, NM_001406800.1 and 6 more transcripts); c.105T>G, p.Phe35Leu (NM_001406797.1, NM_001406801.1, NM_001406805.1 and 10 more transcripts); c.324T>G, p.Phe108Leu (NM_001406804.1); c.-527T>G (NM_001406807.1); c.-593T>G (NM_001406814.1); and 2 more; short protein forms F166L, F78L, F134L, F35L, F108L.
Identifiers: ClinVar variation 1737197 (VCV001737197.2), dbSNP rs2104108680, ClinGen allele CA346737092.